The following is an entry in ClinVar:

ClinVar aggregate classification (germline): Conflicting classifications of pathogenicity. Review status: criteria provided, conflicting classifications (1 of 4 stars). 4 submissions from 4 submitters: Uncertain significance (2); Likely benign (2). Last evaluated 2024-11-07.

Conditions:
Hereditary cancer-predisposing syndrome. Also called: Hereditary neoplastic syndrome; Neoplastic Syndromes, Hereditary; Tumor predisposition; Hereditary Cancer Syndrome. Identifiers: Orphanet 140162, MedGen C0027672, MeSH D009386, MONDO:0015356.
Hereditary diffuse gastric adenocarcinoma (HDGC). Also called: DIFFUSE GASTRIC AND LOBULAR BREAST CANCER SYNDROME. Identifiers: Orphanet 26106, MedGen C1708349, MONDO:0007648, OMIM 137215.

Submissions (4):

Blueprint Genetics
Classification: Likely benign. Last evaluated: 2024-11-07. Review status: criteria provided, single submitter. Criteria: ACMG Guidelines, 2015. Collection method: clinical testing. Allele origin: germline.

Labcorp Genetics (formerly Invitae), Labcorp
Classification: Uncertain significance for Hereditary diffuse gastric adenocarcinoma. Last evaluated: 2024-10-29. Review status: criteria provided, single submitter. Criteria: Invitae Variant Classification Sherloc (09022015). Collection method: clinical testing. Allele origin: germline.
Comment: This sequence change falls in intron 14 of the CDH1 gene. It does not directly change the encoded amino acid sequence of the CDH1 protein. It affects a nucleotide within the consensus splice site. This variant is not present in population databases (gnomAD no frequency). This variant has not been reported in the literature in individuals affected with CDH1-related conditions. ClinVar contains an entry for this variant (Variation ID: 1043240). Variants that disrupt the consensus splice site are a relatively common cause of aberrant splicing (PMID: 17576681, 9536098). Algorithms developed to predict the effect of sequence changes on RNA splicing suggest that this variant is not likely to affect RNA splicing. In summary, the available evidence is currently insufficient to determine the role of this variant in disease. Therefore, it has been classified as a Variant of Uncertain Significance.

Myriad Genetics, Inc.
Classification: Likely benign for Hereditary diffuse gastric adenocarcinoma. Last evaluated: 2024-09-23. Review status: criteria provided, single submitter. Criteria: Myriad Autosomal Dominant, Autosomal Recessive and X-Linked Classification Criteria (2023). Collection method: clinical testing. Allele origin: unknown.
Comment: This variant is considered likely benign. This variant is intronic and is not expected to impact mRNA splicing.

Ambry Genetics
Classification: Uncertain significance for Hereditary cancer-predisposing syndrome. Last evaluated: 2023-10-26. Review status: criteria provided, single submitter. Criteria: Ambry Variant Classification Scheme 2023. Collection method: clinical testing. Allele origin: germline.
Comment: The c.2295+4G>A intronic variant results from a G to A substitution 4 nucleotides after coding exon 14 in the CDH1 gene. This nucleotide position is not well conserved in available vertebrate species. In silico splice site analysis predicts that this alteration will not have any significant effect on splicing. Since supporting evidence is limited at this time, the clinical significance of this alteration remains unclear.

Literature cited by the submitters: PubMed 17576681 (cited by Labcorp Genetics (formerly Invitae), Labcorp); PubMed 9536098 (cited by Labcorp Genetics (formerly Invitae), Labcorp).

NM_004360.5(CDH1):c.2295+4G>A

Gene: CDH1 (cadherin 1; plus strand). Cytogenetic location: 16q22.1.
Variant type: single nucleotide variant.
Coding change: c.2295+4G>A on transcript NM_004360.5 (MANE Select); 4 bases into the intron after coding-DNA position 2295, G replaced by A.
Molecular consequence: intron variant.
Genome position (GRCh38, 1-based): chr16:68,828,308, G>A. VCF-style: chr16-68828308-G-A. GRCh37 (hg19) VCF-style: chr16-68862211-G-A.
Other names: c.747+4G>A (NM_001317185.2); c.330+4G>A (NM_001317186.2); c.2112+4G>A (NM_001317184.2); c.2295+4G>A (NM_004360.3).
Identifiers: ClinVar variation 1043240 (VCV001043240.12), dbSNP rs1961384041, ClinGen allele CA2229990283.